The following is an entry in ClinVar:

NM_198689.3(KRTAP10-7):c.885G>A (p.Pro295=)

Genes: KRTAP10-7 (keratin associated protein 10-7; plus strand), TSPEAR (thrombospondin type laminin G domain and EAR repeats; minus strand). Cytogenetic location: 21q22.3.
Variant type: single nucleotide variant.
Coding change: c.885G>A on transcript NM_198689.3 (MANE Select); coding-DNA position 885, G replaced by A.
Protein change: p.Pro295=; no amino-acid change (proline 295 retained).
Molecular consequence: synonymous variant. On other transcripts: intron variant (2).
Genome position (GRCh38, 1-based): chr21:44,601,506, G>A. VCF-style: chr21-44601506-G-A. GRCh37 (hg19) VCF-style: chr21-46021421-G-A.
Other names: c.83-33501C>T (NM_144991.3); c.-122-33501C>T (NM_001272037.2).
Identifiers: ClinVar variation 4533500 (VCV004533500.6).

ClinVar aggregate classification (germline): Likely benign (1 of 4 stars; one submission).

gnomAD v4.1: 1,816 of 1,612,476 alleles (0.11%); highest among the groups gnomAD compares: South Asian, 0.32%; 3 homozygotes.

Submission:

CeGaT Center for Human Genetics Tuebingen
Classification: Likely benign. Last evaluated: 2025-11-01. Review status: criteria provided, single submitter. Criteria: CeGaT Center For Human Genetics Tuebingen Variant Classification Criteria Version 2. Collection method: clinical testing. Allele origin: germline. Affected: yes. Observed: 1 variant allele.
Comment: KRTAP10-7: BP4, BP7